The following is an entry in ClinVar:

ClinVar aggregate classification (germline): Uncertain significance (1 of 4 stars; one submission).

Submission:

GeneDx
Classification: Uncertain significance. Last evaluated: 2024-12-18. Review status: criteria provided, single submitter. Criteria: GeneDx Variant Classification Process June 2021. Collection method: clinical testing. Allele origin: germline. Affected: yes.
Comment: Not observed at significant frequency in large population cohorts (gnomAD); In silico analysis indicates that this missense variant does not alter protein structure/function; Has not been previously published as pathogenic or benign to our knowledge; This substitution is predicted to be within the N-terminal cytoplasmic domain

NM_172107.4(KCNQ2):c.57G>C (p.Lys19Asn)

Gene: KCNQ2 (potassium voltage-gated channel subfamily Q member 2; minus strand). Cytogenetic location: 20q13.33.
Variant type: single nucleotide variant.
Coding change: c.57G>C on transcript NM_172107.4 (MANE Select); coding-DNA position 57, G replaced by C.
Protein change: p.Lys19Asn; replaces lysine 19 with asparagine.
Molecular consequence: missense variant.
Genome position (GRCh38, 1-based): chr20:63,472,407, C>G on the plus strand (G>C on the coding strand, the complement: KCNQ2 is on the minus strand). VCF-style: chr20-63472407-C-G. GRCh37 (hg19) VCF-style: chr20-62103760-C-G.
Other names: c.57G>C, p.Lys19Asn (NM_001382235.1, NM_004518.6, NM_172106.3 and 2 more transcripts); short protein forms K19N.
Identifiers: ClinVar variation 3906663 (VCV003906663.1).